The following is an entry in ClinVar:

NM_000465.4(BARD1):c.1093C>T (p.Pro365Ser)

Gene: BARD1 (BRCA1 associated RING domain 1; minus strand). Cytogenetic location: 2q35.
Variant type: single nucleotide variant.
Coding change: c.1093C>T on transcript NM_000465.4 (MANE Select); coding-DNA position 1093, C replaced by T.
Protein change: p.Pro365Ser; replaces proline 365 with serine.
Molecular consequence: missense variant. On other transcripts: non-coding transcript variant (2), intron variant (3).
Genome position (GRCh38, 1-based): chr2:214,780,781, G>A on the plus strand (C>T on the coding strand, the complement: BARD1 is on the minus strand). VCF-style: chr2-214780781-G-A. GRCh37 (hg19) VCF-style: chr2-215645505-G-A.
Other names: c.1036C>T, p.Pro346Ser (NM_001282543.2); c.159-28226C>T (NM_001282548.2); c.215+16280C>T (NM_001282545.2); c.364+11516C>T (NM_001282549.2); short protein forms P346S, P365S.
Identifiers: ClinVar variation 5032793 (VCV005032793.1).

ClinVar aggregate classification (germline): Uncertain significance (1 of 4 stars; one submission).

Conditions:
Hereditary cancer-predisposing syndrome. Also called: Neoplastic Syndromes, Hereditary; Tumor predisposition; Hereditary neoplastic syndrome; Hereditary Cancer Syndrome. Identifiers: Orphanet 140162, MedGen C0027672, MeSH D009386, MONDO:0015356.

gnomAD v4.1: 1 of 1,541,460 alleles (0.000065%); highest among the groups gnomAD compares: South Asian, 0.0013%; no homozygotes.

Submission:

Ambry Genetics
Classification: Uncertain significance for Hereditary cancer-predisposing syndrome. Last evaluated: 2026-07-07. Review status: criteria provided, single submitter. Criteria: Ambry Variant Classification Scheme 2023. Collection method: clinical testing. Allele origin: germline.
Comment: The p.P365S variant (also known as c.1093C>T), located in coding exon 4 of the BARD1 gene, results from a C to T substitution at nucleotide position 1093. The proline at codon 365 is replaced by serine, an amino acid with similar properties. This amino acid position is conserved. In addition, this alteration is predicted to be tolerated by in silico analysis. Based on the available evidence, the clinical significance of this variant remains unclear.